The following is an entry in ClinVar:

NM_001374828.1(ARID1B):c.4785T>G (p.Pro1595=)

Gene: ARID1B (AT-rich interaction domain 1B; plus strand). Cytogenetic location: 6q25.3.
Variant type: single nucleotide variant.
Coding change: c.4785T>G on transcript NM_001374828.1 (MANE Select); coding-DNA position 4785, T replaced by G.
Protein change: p.Pro1595=; no amino-acid change (proline 1595 retained).
Molecular consequence: synonymous variant.
Genome position (GRCh38, 1-based): chr6:157,201,010, T>G. VCF-style: chr6-157201010-T-G. GRCh37 (hg19) VCF-style: chr6-157522144-T-G.
Other names: c.4536T>G, p.Pro1512= (NM_001346813.1); c.2286T>G, p.Pro762= (NM_001363725.2); c.4665T>G, p.Pro1555= (NM_001371656.1, NM_001374820.1); c.4626T>G, p.Pro1542= (NM_017519.3); c.4416T>G, p.Pro1472= (NM_020732.3); c.4203T>G, p.Pro1401= (NM_175863.2).
Identifiers: ClinVar variation 2580952 (VCV002580952.1), dbSNP rs2538678250, ClinGen allele CA452978347.

ClinVar aggregate classification (germline): Uncertain significance (1 of 4 stars; one submission).

Conditions:
Coffin-Siris syndrome 1 (CSS1). Also called: Mental retardation, autosomal dominant 12; ARID1B-Related Coffin-Siris Syndrome. Identifiers: Orphanet 1465, MedGen C3281201, MONDO:0007617, OMIM 135900. Disease mechanism: gain of function.

Submission:

Dr. med. U. Finckh, Human Genetics, Eurofins MVZ
Classification: Uncertain significance for Coffin-Siris syndrome 1. Last evaluated: 2022-03-31. Review status: criteria provided, single submitter. Criteria: ACMG Guidelines, 2015. Collection method: clinical testing. Allele origin: unknown. Observed: 1 heterozygote.
Comment: not present in gnomAD, splice prediction not suggestive of damaging effect